The following is an entry in ClinVar:

NM_139057.4(ADAMTS17):c.2584C>T (p.Gln862Ter)

Gene: ADAMTS17 (ADAM metallopeptidase with thrombospondin type 1 motif 17; minus strand). Cytogenetic location: 15q26.3.
Variant type: single nucleotide variant.
Coding change: c.2584C>T on transcript NM_139057.4 (MANE Select); coding-DNA position 2584, C replaced by T.
Protein change: p.Gln862Ter; replaces glutamine 862 with a stop codon.
Molecular consequence: nonsense.
Genome position (GRCh38, 1-based): chr15:100,048,864, G>A on the plus strand (C>T on the coding strand, the complement: ADAMTS17 is on the minus strand). VCF-style: chr15-100048864-G-A. GRCh37 (hg19) VCF-style: chr15-100589069-G-A.
Other names: short protein forms Q862*.
Identifiers: ClinVar variation 2880386 (VCV002880386.3), dbSNP rs2548116564, ClinGen allele CA393692260.

ClinVar aggregate classification (germline): Pathogenic (1 of 4 stars; one submission).

Submission:

Labcorp Genetics (formerly Invitae), Labcorp
Classification: Pathogenic. Last evaluated: 2023-09-23. Review status: criteria provided, single submitter. Criteria: Invitae Variant Classification Sherloc (09022015). Collection method: clinical testing. Allele origin: germline.
Comment: For these reasons, this variant has been classified as Pathogenic. This variant has not been reported in the literature in individuals affected with ADAMTS17-related conditions. This variant is not present in population databases (gnomAD no frequency). This sequence change creates a premature translational stop signal (p.Gln862*) in the ADAMTS17 gene. It is expected to result in an absent or disrupted protein product. Loss-of-function variants in ADAMTS17 are known to be pathogenic (PMID: 19836009, 24940034).

Literature cited by the submitters: PubMed 19836009; PubMed 24940034.